The following is an entry in ClinVar:

ClinVar aggregate classification (germline): Uncertain significance (1 of 4 stars; one submission).

Allele frequency attached by ClinVar (database versions not stated): TOPMed 0.00002.

Submission:

Labcorp Genetics (formerly Invitae), Labcorp
Classification: Uncertain significance. Last evaluated: 2022-06-23. Review status: criteria provided, single submitter. Criteria: Invitae Variant Classification Sherloc (09022015). Collection method: clinical testing. Allele origin: germline.
Comment: In summary, the available evidence is currently insufficient to determine the role of this variant in disease. Therefore, it has been classified as a Variant of Uncertain Significance. Variants that disrupt the consensus splice site are a relatively common cause of aberrant splicing (PMID: 17576681, 9536098). Algorithms developed to predict the effect of sequence changes on RNA splicing suggest that this variant may disrupt the consensus splice site. This variant has not been reported in the literature in individuals affected with SLC26A5-related conditions. This variant is not present in population databases (gnomAD no frequency). This sequence change falls in intron 18 of the SLC26A5 gene. It does not directly change the encoded amino acid sequence of the SLC26A5 protein. It affects a nucleotide within the consensus splice site.

Literature cited by the submitters: PubMed 17576681; PubMed 9536098.

NM_198999.3(SLC26A5):c.1986+3A>T

Gene: SLC26A5 (solute carrier family 26 member 5; minus strand). Cytogenetic location: 7q22.1.
Variant type: single nucleotide variant.
Coding change: c.1986+3A>T on transcript NM_198999.3 (MANE Select); 3 bases into the intron after coding-DNA position 1986, A replaced by T.
Molecular consequence: intron variant.
Genome position (GRCh38, 1-based): chr7:103,377,596, T>A on the plus strand (A>T on the coding strand, the complement: SLC26A5 is on the minus strand). VCF-style: chr7-103377596-T-A. GRCh37 (hg19) VCF-style: chr7-103018043-T-A.
Other names: c.971+20336A>T (NM_206885.3); c.1890+3A>T (NM_001321787.2, NM_001167962.2); c.1514+11412A>T (NM_206884.3); c.1986+3A>T (NM_206883.3).
Identifiers: ClinVar variation 1984833 (VCV001984833.4), dbSNP rs1821448501, ClinGen allele CA1730704938.
Genomic context (GRCh38, chr7:103,377,596, plus strand): 5'-TTATGCTGATAGTACGACACCAGGCATAGAGGTATTAAATGACTCGTTCAAGAGGATGCT[T>A]ACCCCTGCCAGAGTTTTCACTCCAACAGAATCAATAAAATTGACTTGAGTGAAATCCAAA-3'